The following is an entry in ClinVar:

NM_004370.6(COL12A1):c.3943G>A (p.Asp1315Asn)

Gene: COL12A1 (collagen type XII alpha 1 chain; minus strand). Cytogenetic location: 6q13.
Variant type: single nucleotide variant.
Coding change: c.3943G>A on transcript NM_004370.6 (MANE Select); coding-DNA position 3943, G replaced by A.
Protein change: p.Asp1315Asn; replaces aspartic acid 1315 with asparagine.
Molecular consequence: missense variant.
Genome position (GRCh38, 1-based): chr6:75,151,924, C>T on the plus strand (G>A on the coding strand, the complement: COL12A1 is on the minus strand). VCF-style: chr6-75151924-C-T. GRCh37 (hg19) VCF-style: chr6-75861640-C-T.
Other names: c.451G>A, p.Asp151Asn (NM_080645.3); short protein forms D1315N, D151N.
Identifiers: ClinVar variation 1315587 (VCV001315587.11), dbSNP rs185615367, ClinGen allele CA3893584.

ClinVar aggregate classification (germline): Conflicting classifications of pathogenicity. Review status: criteria provided, conflicting classifications (1 of 4 stars). 3 submissions from 3 submitters: Uncertain significance (2); Likely benign (1). Last evaluated 2026-01-24.

Conditions:
Bethlem myopathy 2 (BTHLM2). Identifiers: Orphanet 536516, Orphanet 610, MedGen C4225313, MONDO:0034022, OMIM 616471.
Ullrich congenital muscular dystrophy 2 (UCMD2). Identifiers: Orphanet 75840, MedGen C4225314, MONDO:0014654, OMIM 616470.

Allele frequency attached by ClinVar (database versions not stated): gnomAD exomes 0.00002 and 0.00003; gnomAD 0.00017 and 0.00019; 1000 Genomes Project 30x 0.00031; ESP Exome Variant Server 0.00016; 1000 Genomes Project 0.00020; ExAC 0.00002; TOPMed 0.00016.
gnomAD v4.1: 58 of 1,613,846 alleles (0.0036%); highest among the groups gnomAD compares: African/African-American, 0.051%; no homozygotes.

Submissions (3):

Labcorp Genetics (formerly Invitae), Labcorp
Classification: Likely benign for Bethlem myopathy 2; Ullrich congenital muscular dystrophy 2. Last evaluated: 2026-01-24. Review status: criteria provided, single submitter. Criteria: Invitae Variant Classification Sherloc (09022015). Collection method: clinical testing. Allele origin: germline.

GeneDx
Classification: Uncertain significance. Last evaluated: 2024-05-12. Review status: criteria provided, single submitter. Criteria: GeneDx Variant Classification Process June 2021. Collection method: clinical testing. Allele origin: germline. Affected: yes.
Comment: Has not been previously published as pathogenic or benign to our knowledge; In silico analysis supports that this missense variant has a deleterious effect on protein structure/function

Revvity Omics, Revvity
Classification: Uncertain significance. Last evaluated: 2023-10-20. Review status: criteria provided, single submitter. Criteria: ACMG Guidelines, 2015. Collection method: clinical testing. Allele origin: germline.